The following is an entry in ClinVar:

ClinVar aggregate classification (germline): Uncertain significance (1 of 4 stars; one submission).

Conditions:
Primary dilated cardiomyopathy (DCM). Also called: Dilated Cardiomyopathy. Identifiers: Orphanet 217604, MedGen C0007193, MeSH D002311, MONDO:0005021, HP:0001644. Inheritance: Various modes of inheritance.

gnomAD v4.1: 1 of 1,612,772 alleles (0.000062%); highest among the groups gnomAD compares: Non-Finnish European, 0.000085%; no homozygotes.

Submission:

Labcorp Genetics (formerly Invitae), Labcorp
Classification: Uncertain significance for Primary dilated cardiomyopathy. Last evaluated: 2025-12-27. Review status: criteria provided, single submitter. Criteria: Invitae Variant Classification Sherloc (09022015). Collection method: clinical testing. Allele origin: germline.
Comment: This sequence change affects an acceptor splice site in intron 1 of the NEBL gene. It is expected to disrupt RNA splicing. Variants that disrupt the donor or acceptor splice site typically lead to a loss of protein function (PMID: 16199547), however the current clinical and genetic evidence is not sufficient to establish whether loss-of-function variants in NEBL cause disease. This variant is not present in population databases (gnomAD no frequency). This variant has not been reported in the literature in individuals affected with NEBL-related conditions. Algorithms developed to predict the effect of sequence changes on RNA splicing suggest that this variant may disrupt the consensus splice site. In summary, the available evidence is currently insufficient to determine the role of this variant in disease. Therefore, it has been classified as a Variant of Uncertain Significance.

Literature cited by the submitters: PubMed 16199547.

NM_006393.3(NEBL):c.82-1G>A

Gene: NEBL (nebulette; minus strand). Cytogenetic location: 10p12.31.
Variant type: single nucleotide variant.
Coding change: c.82-1G>A on transcript NM_006393.3 (MANE Select); the canonical splice acceptor site of the intron before coding-DNA position 82, G replaced by A.
Molecular consequence: splice acceptor variant. On other transcripts: intron variant (9).
Genome position (GRCh38, 1-based): chr10:20,897,030, C>T on the plus strand (G>A on the coding strand, the complement: NEBL is on the minus strand). VCF-style: chr10-20897030-C-T. GRCh37 (hg19) VCF-style: chr10-21185959-C-T.
Other names: c.249+64642G>A (NM_001377326.1, NM_001377327.1, NM_001377328.1); c.357+64642G>A (NM_213569.2, NM_001173484.2, NM_001377322.1); c.300+64642G>A (NM_001377324.1); c.291+64642G>A (NM_001377325.1); c.309+64642G>A (NM_001377323.1).
Identifiers: ClinVar variation 4737084 (VCV004737084.1).
Genomic context (GRCh38, chr10:20,897,030, plus strand): 5'-TTCCGTGCATTTTCTGGCCAATTCCATGCTTAAGTCTTCAATAACAGGCTTATAGAAGAC[C>T]TATTTGAAAAAAAAGAAAAGAACAGAAAGAACATTTTTCTCATTGTCAATTTAGAGGAAC-3'